The following is an entry in ClinVar:

ClinVar aggregate classification (germline): Benign/Likely benign. Review status: criteria provided, multiple submitters, no conflicts (2 of 4 stars). 4 submissions from 4 submitters: Benign (2); Likely benign (2). Last evaluated 2025-02-16.

Conditions:
Inborn genetic diseases. Identifiers: MedGen C0950123, MeSH D030342.

Allele frequency attached by ClinVar (database versions not stated): TOPMed 0.00020; 1000 Genomes Project 0.00026; gnomAD 0.00028; ESP Exome Variant Server 0.00029; gnomAD exomes 0.00029 and 0.00030; ExAC 0.00036; 1000 Genomes Project 30x 0.00042.
gnomAD v4.1: 351 of 1,208,306 alleles (0.029%); highest among the groups gnomAD compares: Non-Finnish European, 0.034%; no homozygotes.

Submissions (4):

Laboratory of Genetics, Children's Clinical University Hospital Latvia
Classification: Likely benign. Last evaluated: 2025-02-16. Review status: criteria provided, single submitter. Criteria: ACMG Guidelines, 2015. Collection method: clinical testing. Allele origin: germline. Affected: yes.

CeGaT Center for Human Genetics Tuebingen
Classification: Likely benign. Last evaluated: 2022-09-01. Review status: criteria provided, single submitter. Criteria: CeGaT Center For Human Genetics Tuebingen Variant Classification Criteria Version 2. Collection method: clinical testing. Allele origin: germline. Affected: yes. Observed: 2 variant alleles.
Comment: NLGN4X: BS2

Ambry Genetics
Classification: Benign for Inborn genetic diseases. Last evaluated: 2022-05-20. Review status: criteria provided, single submitter. Criteria: Ambry Variant Classification Scheme 2023. Collection method: clinical testing. Allele origin: germline.

Labcorp Genetics (formerly Invitae), Labcorp
Classification: Benign. Last evaluated: 2017-09-28. Review status: criteria provided, single submitter. Criteria: Invitae Variant Classification Sherloc (09022015). Collection method: clinical testing. Allele origin: germline.

NM_181332.3(NLGN4X):c.1133A>G (p.Lys378Arg)

Gene: NLGN4X (neuroligin 4 X-linked; minus strand). Cytogenetic location: Xp22.32.
Variant type: single nucleotide variant.
Coding change: c.1133A>G on transcript NM_181332.3 (MANE Select); coding-DNA position 1133, A replaced by G.
Protein change: p.Lys378Arg; replaces lysine 378 with arginine.
Molecular consequence: missense variant.
Genome position (GRCh38, 1-based): chrX:5,903,545, T>C on the plus strand (A>G on the coding strand, the complement: NLGN4X is on the minus strand). VCF-style: chrX-5903545-T-C. GRCh37 (hg19) VCF-style: chrX-5821586-T-C.
Other names: c.1133A>G, p.Lys378Arg (NM_001282145.2, NM_001282146.2, NM_020742.4); short protein forms K378R.
Identifiers: ClinVar variation 587836 (VCV000587836.37), dbSNP rs144093574, ClinGen allele CA10341070.